The following is an entry in ClinVar:

NM_000525.4(KCNJ11):c.226A>G (p.Thr76Ala)

Gene: KCNJ11 (potassium inwardly rectifying channel subfamily J member 11; minus strand). Cytogenetic location: 11p15.1.
Variant type: single nucleotide variant.
Coding change: c.226A>G on transcript NM_000525.4 (MANE Select); coding-DNA position 226, A replaced by G.
Protein change: p.Thr76Ala; replaces threonine 76 with alanine.
Molecular consequence: missense variant. On other transcripts: intron variant (3).
Genome position (GRCh38, 1-based): chr11:17,387,866, T>C on the plus strand (A>G on the coding strand, the complement: KCNJ11 is on the minus strand). VCF-style: chr11-17387866-T-C. GRCh37 (hg19) VCF-style: chr11-17409413-T-C.
Other names: c.-16-20A>G (NM_001166290.2, NM_001377297.1, NM_001377296.1); short protein forms T76A.
Identifiers: ClinVar variation 2803616 (VCV002803616.3), dbSNP rs1591696071, ClinGen allele CA379775328.

ClinVar aggregate classification (germline): Uncertain significance (1 of 4 stars; one submission).

Allele frequency attached by ClinVar (database versions not stated): TOPMed below 0.00001.

Submission:

Labcorp Genetics (formerly Invitae), Labcorp
Classification: Uncertain significance. Last evaluated: 2023-11-06. Review status: criteria provided, single submitter. Criteria: Invitae Variant Classification Sherloc (09022015). Collection method: clinical testing. Allele origin: germline.
Comment: This sequence change replaces threonine, which is neutral and polar, with alanine, which is neutral and non-polar, at codon 76 of the KCNJ11 protein (p.Thr76Ala). This variant is not present in population databases (gnomAD no frequency). This variant has not been reported in the literature in individuals affected with KCNJ11-related conditions. Advanced modeling of protein sequence and biophysical properties (such as structural, functional, and spatial information, amino acid conservation, physicochemical variation, residue mobility, and thermodynamic stability) performed at Invitae indicates that this missense variant is expected to disrupt KCNJ11 protein function with a positive predictive value of 95%. In summary, the available evidence is currently insufficient to determine the role of this variant in disease. Therefore, it has been classified as a Variant of Uncertain Significance.